The following is an entry in ClinVar:

ClinVar aggregate classification (germline): Uncertain significance. Review status: criteria provided, multiple submitters, no conflicts (2 of 4 stars). 6 submissions from 6 submitters: Uncertain significance (6). Last evaluated 2025-11-24.

Conditions:
Familial hypercholesterolemia. Also called: Familial hypercholesterolemias; Familial hypercholesterolaemia. Identifiers: MedGen C0020445, MONDO:0005439.
Cardiovascular phenotype. Identifiers: MedGen CN230736.
Hypercholesterolemia, autosomal dominant, 3 (FHCL3). Also called: Familial Hypercholesterolemia, Autosomal Dominant, 3; PCSK9-Related Familial Hypercholesterolemia, Autosomal Dominant; Familial hypercholesterolemia 3. Identifiers: MedGen C1863551, MONDO:0011369, OMIM 603776.

Allele frequency attached by ClinVar (database versions not stated): ExAC 0.00001; gnomAD exomes 0.00001; TOPMed 0.00003; gnomAD 0.00006 and 0.00007; ESP Exome Variant Server 0.00008.
gnomAD v4.1: 16 of 1,614,094 alleles (0.00099%); highest among the groups gnomAD compares: African/African-American, 0.02%; no homozygotes.

Submissions (6):

Labcorp Genetics (formerly Invitae), Labcorp
Classification: Uncertain significance for Hypercholesterolemia, autosomal dominant, 3. Last evaluated: 2025-11-24. Review status: criteria provided, single submitter. Criteria: Invitae Variant Classification Sherloc (09022015). Collection method: clinical testing. Allele origin: germline.
Comment: This sequence change replaces glycine, which is neutral and non-polar, with valine, which is neutral and non-polar, at codon 106 of the PCSK9 protein (p.Gly106Val). This variant is present in population databases (rs370751343, gnomAD 0.007%). This variant has not been reported in the literature in individuals affected with PCSK9-related conditions. ClinVar contains an entry for this variant (Variation ID: 582851). Invitae Evidence Modeling of protein sequence and biophysical properties (such as structural, functional, and spatial information, amino acid conservation, physicochemical variation, residue mobility, and thermodynamic stability) indicates that this missense variant is expected to disrupt PCSK9 protein function with a positive predictive value of 80%. In summary, the available evidence is currently insufficient to determine the role of this variant in disease. Therefore, it has been classified as a Variant of Uncertain Significance.

Ambry Genetics
Classification: Uncertain significance for Cardiovascular phenotype. Last evaluated: 2025-08-31. Review status: criteria provided, single submitter. Criteria: Ambry Variant Classification Scheme 2023. Collection method: clinical testing. Allele origin: germline.

All of Us Research Program, National Institutes of Health
Classification: Uncertain significance for Hypercholesterolemia, autosomal dominant, 3. Last evaluated: 2024-05-30. Review status: criteria provided, single submitter. Criteria: ACMG Guidelines, 2015. Collection method: clinical testing. Allele origin: germline. Inheritance: Autosomal dominant inheritance. Observed: 1 variant allele, 1 heterozygote.
Comment: This missense variant replaces glycine with valine at codon 106 of the PCSK9 protein. Computational prediction is inconclusive regarding the impact of this variant on protein structure and function (internally defined REVEL score threshold 0.5 < inconclusive < 0.7, PMID: 27666373). To our knowledge, functional studies have not been reported for this variant. This variant has not been reported in individuals affected with familial hypercholesterolemia in the literature. This variant has been identified in 2/251378 chromosomes in the general population by the Genome Aggregation Database (gnomAD). The available evidence is insufficient to determine the role of this variant in disease conclusively. Therefore, this variant is classified as a Variant of Uncertain Significance.

This study involves interpretation of variants in research participants for the purpose of population health screening. Participant phenotype was not available at the time of variant classification. Additional details can be found in publication PMID: 35346344, PMCID: PMC8962531

Color Diagnostics, LLC DBA Color Health
Classification: Uncertain significance for Familial hypercholesterolemia. Last evaluated: 2024-03-06. Review status: criteria provided, single submitter. Criteria: ACMG Guidelines, 2015. Collection method: clinical testing. Allele origin: germline.
Comment: This missense variant replaces glycine with valine at codon 106 of the PCSK9 protein. Computational prediction is inconclusive regarding the impact of this variant on protein structure and function (internally defined REVEL score threshold 0.5 < inconclusive < 0.7, PMID: 27666373). To our knowledge, functional studies have not been reported for this variant. This variant has not been reported in individuals affected with familial hypercholesterolemia in the literature. This variant has been identified in 2/251378 chromosomes in the general population by the Genome Aggregation Database (gnomAD). The available evidence is insufficient to determine the role of this variant in disease conclusively. Therefore, this variant is classified as a Variant of Uncertain Significance.

Mendelics
Classification: Uncertain significance. Last evaluated: 2022-05-04. Review status: criteria provided, single submitter. Criteria: Mendelics Assertion Criteria 2019. Collection method: clinical testing. Allele origin: germline.

Fulgent Genetics
Classification: Uncertain significance for Hypercholesterolemia, autosomal dominant, 3. Last evaluated: 2021-10-12. Review status: criteria provided, single submitter. Criteria: ACMG Guidelines, 2015. Collection method: clinical testing. Allele origin: unknown.

NM_174936.4(PCSK9):c.317G>T (p.Gly106Val)

Gene: PCSK9 (proprotein convertase subtilisin/kexin type 9; plus strand). Cytogenetic location: 1p32.3.
Variant type: single nucleotide variant.
Coding change: c.317G>T on transcript NM_174936.4 (MANE Select); coding-DNA position 317, G replaced by T.
Protein change: p.Gly106Val; replaces glycine 106 with valine.
Molecular consequence: missense variant.
Genome position (GRCh38, 1-based): chr1:55,043,952, G>T. VCF-style: chr1-55043952-G-T. GRCh37 (hg19) VCF-style: chr1-55509625-G-T.
Other names: short protein forms G106V.
Identifiers: ClinVar variation 582851 (VCV000582851.17), dbSNP rs370751343, ClinGen allele CA041468.
Genomic context (GRCh38, chr1:55,043,952, plus strand): 5'-CCCACCTCTCGCAGTCAGAGCGCACTGCCCGCCGCCTGCAGGCCCAGGCTGCCCGCCGGG[G>T]ATACCTCACCAAGATCCTGCATGTCTTCCATGGCCTTCTTCCTGGCTTCCTGGTGAAGAT-3'
Protein context (NP_777596.2, residues 96-116): RRLQAQAARR[Gly106Val]YLTKILHVFH